The following is an entry in ClinVar:

ClinVar aggregate classification (germline): Uncertain significance (1 of 4 stars; one submission).

Submission:

Labcorp Genetics (formerly Invitae), Labcorp
Classification: Uncertain significance. Last evaluated: 2024-02-02. Review status: criteria provided, single submitter. Criteria: Invitae Variant Classification Sherloc (09022015). Collection method: clinical testing. Allele origin: germline.
Comment: This sequence change replaces threonine, which is neutral and polar, with alanine, which is neutral and non-polar, at codon 1312 of the DUOX2 protein (p.Thr1312Ala). This variant is not present in population databases (gnomAD no frequency). This variant has not been reported in the literature in individuals affected with DUOX2-related conditions. Advanced modeling of protein sequence and biophysical properties (such as structural, functional, and spatial information, amino acid conservation, physicochemical variation, residue mobility, and thermodynamic stability) performed at Invitae indicates that this missense variant is not expected to disrupt DUOX2 protein function with a negative predictive value of 80%. In summary, the available evidence is currently insufficient to determine the role of this variant in disease. Therefore, it has been classified as a Variant of Uncertain Significance.

NM_001363711.2(DUOX2):c.3934A>G (p.Thr1312Ala)

Gene: DUOX2 (dual oxidase 2; minus strand). Cytogenetic location: 15q21.1.
Variant type: single nucleotide variant.
Coding change: c.3934A>G on transcript NM_001363711.2 (MANE Select); coding-DNA position 3934, A replaced by G.
Protein change: p.Thr1312Ala; replaces threonine 1312 with alanine.
Molecular consequence: missense variant.
Genome position (GRCh38, 1-based): chr15:45,095,974, T>C on the plus strand (A>G on the coding strand, the complement: DUOX2 is on the minus strand). VCF-style: chr15-45095974-T-C. GRCh37 (hg19) VCF-style: chr15-45388172-T-C.
Other names: c.3934A>G, p.Thr1312Ala (NM_014080.5); short protein forms T1312A.
Identifiers: ClinVar variation 3689941 (VCV003689941.2).